The following is an entry in ClinVar:

ClinVar aggregate classification (germline): Pathogenic (1 of 4 stars; one submission).

Submission:

Labcorp Genetics (formerly Invitae), Labcorp
Classification: Pathogenic. Last evaluated: 2021-10-21. Review status: criteria provided, single submitter. Criteria: Invitae Variant Classification Sherloc (09022015). Collection method: clinical testing. Allele origin: germline.
Comment: This sequence change creates a premature translational stop signal (p.Leu184Alafs*93) in the PRPF31 gene. It is expected to result in an absent or disrupted protein product. Loss-of-function variants in PRPF31 are known to be pathogenic (PMID: 18317597, 23950152). This variant is not present in population databases (ExAC no frequency). This variant has not been reported in the literature in individuals with PRPF31-related conditions. For these reasons, this variant has been classified as Pathogenic.

Literature cited by the submitters: PubMed 18317597; PubMed 23950152.

NM_015629.4(PRPF31):c.549_553del (p.Leu184fs)

Gene: PRPF31 (pre-mRNA processing factor 31; plus strand). Cytogenetic location: 19q13.42.
Variant type: Deletion.
Coding change: c.549_553del on transcript NM_015629.4 (MANE Select); coding-DNA positions 549 to 553, 5 bases deleted (GCTGG; older notation c.549_553delGCTGG).
Protein change: p.Leu184fs; shifts the reading frame from leucine 184.
Molecular consequence: frameshift variant.
Genome position (GRCh38, 1-based): chr19:54,123,770-54,123,774, GCTGG deleted. VCF-style (leftmost placement, unchanged base first): chr19-54123769-AGCTGG-A. GRCh37 (hg19) VCF-style: chr19-54627148-AGCTGG-A.
Other names: short protein forms L184fs.
Identifiers: ClinVar variation 1368983 (VCV001368983.6), dbSNP rs2146420616, ClinGen allele CA2573156806.